The following is an entry in ClinVar:

ClinVar aggregate classification (germline): Likely pathogenic (1 of 4 stars; one submission).

Conditions:
Autosomal recessive nonsyndromic hearing loss 18B. Also called: Deafness, autosomal recessive 18b. Identifiers: Orphanet 90636, MedGen C3554163, MONDO:0013985, OMIM 614945.

Submission:

Juno Genomics, Hangzhou Juno Genomics, Inc
Classification: Likely pathogenic for Autosomal recessive nonsyndromic hearing loss 18B. Review status: criteria provided, single submitter. Criteria: ACMG Guidelines, 2015. Collection method: clinical testing. Allele origin: germline.
Comment: Null variant in a gene where loss of function (LOF) is a known mechanism of disease.;Absent from controls (or at extremely low frequency if recessive) in Genome Aggregation Database.

NM_001292063.2(OTOG):c.5112del (p.Glu1705fs)

Gene: OTOG (otogelin; plus strand). Cytogenetic location: 11p15.1.
Variant type: Deletion.
Coding change: c.5112del on transcript NM_001292063.2 (MANE Select); coding-DNA position 5112, one base deleted (A; older notation c.5112delA).
Protein change: p.Glu1705fs; shifts the reading frame from glutamic acid 1705.
Molecular consequence: frameshift variant.
Genome position (GRCh38, 1-based): chr11:17,610,412, A deleted. VCF-style (leftmost placement, unchanged base first): chr11-17610411-CA-C. GRCh37 (hg19) VCF-style: chr11-17631958-CA-C.
Other names: c.5148del, p.Glu1717fs (NM_001277269.2); short protein forms E1717fs, E1705fs.
Identifiers: ClinVar variation 5007843 (VCV005007843.2).